The following is an entry in ClinVar:

ClinVar aggregate classification (germline): Uncertain significance (1 of 4 stars; one submission).

gnomAD v4.1: 1 of 1,612,164 alleles (0.000062%); highest among the groups gnomAD compares: Non-Finnish European, 0.000085%; no homozygotes.

Submission:

Labcorp Genetics (formerly Invitae), Labcorp
Classification: Uncertain significance. Last evaluated: 2022-06-10. Review status: criteria provided, single submitter. Criteria: Invitae Variant Classification Sherloc (09022015). Collection method: clinical testing. Allele origin: germline.
Comment: In summary, the available evidence is currently insufficient to determine the role of this variant in disease. Therefore, it has been classified as a Variant of Uncertain Significance. Algorithms developed to predict the effect of missense changes on protein structure and function are either unavailable or do not agree on the potential impact of this missense change (SIFT: "Deleterious"; PolyPhen-2: "Probably Damaging"; Align-GVGD: "Class C0"). This variant has not been reported in the literature in individuals affected with KANK1-related conditions. This variant is not present in population databases (gnomAD no frequency). This sequence change replaces aspartic acid, which is acidic and polar, with tyrosine, which is neutral and polar, at codon 986 of the KANK1 protein (p.Asp986Tyr).

NM_015158.5(KANK1):c.2956G>T (p.Asp986Tyr)

Gene: KANK1 (KN motif and ankyrin repeat domains 1; plus strand). Cytogenetic location: 9p24.3.
Variant type: single nucleotide variant.
Coding change: c.2956G>T on transcript NM_015158.5 (MANE Select); coding-DNA position 2956, G replaced by T.
Protein change: p.Asp986Tyr; replaces aspartic acid 986 with tyrosine.
Molecular consequence: missense variant. On other transcripts: non-coding transcript variant (1).
Genome position (GRCh38, 1-based): chr9:731,217, G>T. VCF-style: chr9-731217-G-T. GRCh37 (hg19) VCF-style: chr9-731217-G-T.
Other names: c.2956G>T, p.Asp986Tyr (NM_001256876.3, NM_001256877.3, NM_001354331.2 and 1 more transcripts); c.2902G>T, p.Asp968Tyr (NM_001354332.2); c.2482G>T, p.Asp828Tyr (NM_001354333.2, NM_001354335.2, NM_001354337.2 and 5 more transcripts); c.2428G>T, p.Asp810Tyr (NM_001354336.2, NM_001354338.2, NM_001354340.2 and 1 more transcripts); short protein forms D968Y, D810Y, D828Y, D986Y.
Identifiers: ClinVar variation 1940857 (VCV001940857.5), dbSNP rs571520878, ClinGen allele CA372755304.
Genomic context (GRCh38, chr9:731,217, plus strand): 5'-GCATGTACAAACAATGAAAGTACACTGAAGTCCATCATGAAGAAGAAAGATGGTAACAAA[G>T]ATTCAAATGGCGCAAAAAAGAATCTTCAGTTTGTTGGCATTAATGGAGGGTAAGGAAAGA-3'
Protein context (NP_055973.2, residues 976-996): SIMKKKDGNK[Asp986Tyr]SNGAKKNLQF